The following is an entry in ClinVar:

NM_005732.4(RAD50):c.3691G>A (p.Asp1231Asn)

Genes: RAD50 (RAD50 double strand break repair protein; plus strand), TH2-LCR (Th2 cytokine locus control region; plus strand), TH2LCRR (T helper type 2 locus control region associated RNA; minus strand). Cytogenetic location: 5q31.1.
Variant type: single nucleotide variant.
Coding change: c.3691G>A on transcript NM_005732.4 (MANE Select); coding-DNA position 3691, G replaced by A.
Protein change: p.Asp1231Asn; replaces aspartic acid 1231 with asparagine.
Molecular consequence: missense variant.
Genome position (GRCh38, 1-based): chr5:132,640,744, G>A. VCF-style: chr5-132640744-G-A. GRCh37 (hg19) VCF-style: chr5-131976436-G-A.
Other names: short protein forms D1231N.
Identifiers: ClinVar variation 2822263 (VCV002822263.3), dbSNP rs2149865711, ClinGen allele CA360934380.
Genomic context (GRCh38, chr5:132,640,744, plus strand): 5'-CTCATCATTCGCCTGGCCCTGGCTGAAACGTTCTGCCTCAACTGTGGCATCATTGCCTTG[G>A]ATGAGCCAACAACAAATCTTGACCGAGAAAACATTGAATCTCTTGCACATGCTCTGGTTG-3'
Protein context (NP_005723.2, residues 1221-1241): FCLNCGIIAL[Asp1231Asn]EPTTNLDREN

ClinVar aggregate classification (germline): Uncertain significance (1 of 4 stars; one submission).

Conditions:
Hereditary cancer-predisposing syndrome. Also called: Neoplastic Syndromes, Hereditary; Hereditary neoplastic syndrome; Tumor predisposition; Hereditary Cancer Syndrome. Identifiers: Orphanet 140162, MedGen C0027672, MeSH D009386, MONDO:0015356.

Submission:

Labcorp Genetics (formerly Invitae), Labcorp
Classification: Uncertain significance for Hereditary cancer-predisposing syndrome. Last evaluated: 2022-12-20. Review status: criteria provided, single submitter. Criteria: Invitae Variant Classification Sherloc (09022015). Collection method: clinical testing. Allele origin: germline.
Comment: In summary, the available evidence is currently insufficient to determine the role of this variant in disease. Therefore, it has been classified as a Variant of Uncertain Significance. Advanced modeling of protein sequence and biophysical properties (such as structural, functional, and spatial information, amino acid conservation, physicochemical variation, residue mobility, and thermodynamic stability) performed at Invitae indicates that this missense variant is expected to disrupt RAD50 protein function. This variant has not been reported in the literature in individuals affected with RAD50-related conditions. This variant is not present in population databases (gnomAD no frequency). This sequence change replaces aspartic acid, which is acidic and polar, with asparagine, which is neutral and polar, at codon 1231 of the RAD50 protein (p.Asp1231Asn).